The following is an entry in ClinVar:

NM_001164508.2(NEB):c.6928C>G (p.Gln2310Glu)

Gene: NEB (nebulin; minus strand). Cytogenetic location: 2q23.3.
Variant type: single nucleotide variant.
Coding change: c.6928C>G on transcript NM_001164508.2 (MANE Select); coding-DNA position 6928, C replaced by G.
Protein change: p.Gln2310Glu; replaces glutamine 2310 with glutamic acid.
Molecular consequence: missense variant.
Genome position (GRCh38, 1-based): chr2:151,650,873, G>C on the plus strand (C>G on the coding strand, the complement: NEB is on the minus strand). VCF-style: chr2-151650873-G-C. GRCh37 (hg19) VCF-style: chr2-152507387-G-C.
Other names: c.6928C>G, p.Gln2310Glu (NM_001164507.2, NM_001271208.2, NM_004543.5); short protein forms Q2310E.
Identifiers: ClinVar variation 1916168 (VCV001916168.5), dbSNP rs2099021594, ClinGen allele CA348791525.

ClinVar aggregate classification (germline): Uncertain significance (1 of 4 stars; one submission).

Conditions:
Nemaline myopathy 2 (NEM2). Also called: Nemaline myopathy 2, autosomal recessive. Identifiers: MedGen C1850569, MONDO:0009725, OMIM 256030.

gnomAD v4.1: 1 of 1,610,918 alleles (0.000062%); highest among the groups gnomAD compares: African/African-American, 0.0013%; no homozygotes.

Submission:

Labcorp Genetics (formerly Invitae), Labcorp
Classification: Uncertain significance for Nemaline myopathy 2. Last evaluated: 2022-06-23. Review status: criteria provided, single submitter. Criteria: Invitae Variant Classification Sherloc (09022015). Collection method: clinical testing. Allele origin: germline.
Comment: In summary, the available evidence is currently insufficient to determine the role of this variant in disease. Therefore, it has been classified as a Variant of Uncertain Significance. Algorithms developed to predict the effect of missense changes on protein structure and function output the following: SIFT: "Tolerated"; PolyPhen-2: "Not Available"; Align-GVGD: "Class C0". The glutamic acid amino acid residue is found in multiple mammalian species, which suggests that this missense change does not adversely affect protein function. This variant has not been reported in the literature in individuals affected with NEB-related conditions. This variant is not present in population databases (gnomAD no frequency). This sequence change replaces glutamine, which is neutral and polar, with glutamic acid, which is acidic and polar, at codon 2310 of the NEB protein (p.Gln2310Glu).